The following is an entry in ClinVar:

ClinVar aggregate classification (germline): Likely pathogenic (1 of 4 stars; one submission).

Conditions:
Vascular malformation. Also called: Vascular malformations. Identifiers: MedGen C0158570, MONDO:0024291.

Submission:

Department of Pediatrics, Division of Medical Genetics, Faculty of Medicine Ramathibodi Hospital, Mahidol University
Classification: Likely pathogenic for Vascular malformation. Last evaluated: 2025-10-20. Review status: criteria provided, single submitter. Criteria: ACMG Guidelines, 2015. Collection method: clinical testing. Allele origin: somatic. Inheritance: Sporadic. Affected: yes. Observed: 1 variant allele, 1 heterozygote.
Comment: The HRAS c.205_234dup (p.Asp69_Phe78dup) variant was identified at an allelic fraction consistent with somatic origin. This variant is absent from the general population (gnomAD v.3.1.2), indicating it is not a common variant. This variant located on Hot-spot of length 27 amino-acids has 47 missense/in-frame variants and Protein coding length changes as a result of in frame variant in gene HRAS, and this variant is not located in a repeat region. Diagnosis - vascular malformations/overgrowth syndromes Phenotypes - multiple lesions of arteriovenous malformation (AVM) and spinal arteriovenous metameric syndrome (SAMS).

NM_005343.4(HRAS):c.205_234dup (p.Phe78_Leu79insAspGlnTyrMetArgThrGlyGluGlyPhe)

Genes: HRAS (HRas proto-oncogene, GTPase; minus strand), LRRC56 (leucine rich repeat containing 56; plus strand). Cytogenetic location: 11p15.5.
Variant type: Duplication.
Coding change: c.205_234dup on transcript NM_005343.4 (MANE Select); coding-DNA positions 205 to 234, 30 bases duplicated (GACCAGTACATGCGCACCGGGGAGGGCTTC).
Protein change: p.Phe78_Leu79insAspGlnTyrMetArgThrGlyGluGlyPhe.
Molecular consequence: inframe insertion. On other transcripts: 5 prime UTR variant (1), intron variant (2).
Genome position (GRCh38, 1-based): chr11:533,822-533,851, GAAGCCCTCCCCGGTGCGCATGTACTGGTC duplicated on the plus strand (GACCAGTACATGCGCACCGGGGAGGGCTTC on the coding strand, the reverse complement: HRAS is on the minus strand). VCF-style (leftmost placement, unchanged base first): chr11-533821-G-GGAAGCCCTCCCCGGTGCGCATGTACTGGTC. GRCh37 (hg19) VCF-style: chr11-533821-G-GGAAGCCCTCCCCGGTGCGCATGTACTGGTC.
Other names: c.205_234dup, p.Phe78_Leu79insAspGlnTyrMetArgThrGlyGluGlyPhe (NM_001130442.3, NM_176795.5); c.-115_-86dup (NM_001318054.2); c.-162+5485_-162+5514dup (NM_001441284.1, NM_001441286.1).
Identifiers: ClinVar variation 4526454 (VCV004526454.1).